The following is an entry in ClinVar:

ClinVar aggregate classification (germline): Benign (1 of 4 stars; one submission).

Conditions:
Familial adenomatous polyposis 1 (FAP1). Also called: POLYPOSIS, ADENOMATOUS INTESTINAL; FAMILIAL ADENOMATOUS POLYPOSIS 1, ATTENUATED. Identifiers: MedGen C2713442, MONDO:0021056, OMIM 175100. Disease mechanism: loss of function.

Submission:

Myriad Genetics, Inc.
Classification: Benign for Familial adenomatous polyposis 1. Last evaluated: 2024-03-15. Review status: criteria provided, single submitter. Criteria: Myriad Autosomal Dominant, Autosomal Recessive and X-Linked Classification Criteria (2023). Collection method: clinical testing. Allele origin: unknown.
Comment: This variant is considered benign. This variant is a silent/synonymous amino acid change and it is not expected to impact splicing.

NM_000038.6(APC):c.2946G>C (p.Ser982=)

Gene: APC (APC regulator of Wnt signaling pathway; plus strand). Cytogenetic location: 5q22.2.
Variant type: single nucleotide variant.
Coding change: c.2946G>C on transcript NM_000038.6 (MANE Select); coding-DNA position 2946, G replaced by C.
Protein change: p.Ser982=; no amino-acid change (serine 982 retained).
Molecular consequence: synonymous variant. On other transcripts: non-coding transcript variant (2).
Genome position (GRCh38, 1-based): chr5:112,838,540, G>C. VCF-style: chr5-112838540-G-C. GRCh37 (hg19) VCF-style: chr5-112174237-G-C.
Other names: c.2946G>C, p.Ser982= (NM_001127510.3, NM_001354895.2, NM_001407450.1); c.2892G>C, p.Ser964= (NM_001127511.3); c.3000G>C, p.Ser1000= (NM_001354896.2, NM_001407447.1, NM_001407448.1 and 1 more transcripts); c.2976G>C, p.Ser992= (NM_001354897.2); c.2871G>C, p.Ser957= (NM_001354898.2); c.2862G>C, p.Ser954= (NM_001354899.2); c.2823G>C, p.Ser941= (NM_001354900.2); c.2769G>C, p.Ser923= (NM_001354901.2, NM_001407453.1); and 11 more.
Identifiers: ClinVar variation 3148781 (VCV003148781.1), dbSNP rs377384463, ClinGen allele CA445963083.
Genomic context (GRCh38, chr5:112,838,540, plus strand): 5'-TAGTTTAAATAGTGTCAGTAGTAGTGATGGTTATGGTAAAAGAGGTCAAATGAAACCCTC[G>C]ATTGAATCCTATTCTGAAGATGATGAAAGTAAGTTTTGCAGTTATGGTCAATACCCAGCC-3'
Protein context (NP_000029.2, residues 972-992): GYGKRGQMKP[Ser982=]IESYSEDDES